The following is an entry in ClinVar:

ClinVar aggregate classification (germline): Uncertain significance. Review status: criteria provided, multiple submitters, no conflicts (2 of 4 stars). 3 submissions from 3 submitters: Uncertain significance (3). Last evaluated 2026-08-19.

Conditions:
SCN10A-related disorder. Also called: SCN10A-related condition.
Cardiovascular phenotype. Identifiers: MedGen CN230736.
Brugada syndrome. Also called: Sudden unexpected nocturnal death syndrome; Sudden unexplained nocturnal death syndrome; Sudden Unexplained Death Syndrome; Sudden Unexplained Nocturnal Death Syndrome (SUNDS). Identifiers: Orphanet 130, MedGen C1142166, MONDO:0015263.

Allele frequency attached by ClinVar (database versions not stated): gnomAD exomes below 0.00001; ExAC 0.00001; TOPMed 0.00001.
gnomAD v4.1: 11 of 1,613,648 alleles (0.00068%); highest among the groups gnomAD compares: Admixed American, 0.0033%; no homozygotes.

Submissions (3):

PreventionGenetics, part of Exact Sciences
Classification: Uncertain significance for SCN10A-related condition. Last evaluated: 2026-08-19. Review status: criteria provided, single submitter. Criteria: ACMG Guidelines, 2015. Collection method: clinical testing. Allele origin: germline.
Comment: The SCN10A c.4094C>A variant is predicted to result in the amino acid substitution p.Thr1365Asn. To our knowledge, this variant has not been reported in the literature. This variant is reported in 0.0029% of alleles in individuals of Latino descent in gnomAD. At this time, the clinical significance of this variant is uncertain due to the absence of conclusive functional and genetic evidence.

Labcorp Genetics (formerly Invitae), Labcorp
Classification: Uncertain significance for Brugada syndrome. Last evaluated: 2024-11-12. Review status: criteria provided, single submitter. Criteria: Invitae Variant Classification Sherloc (09022015). Collection method: clinical testing. Allele origin: germline.
Comment: This sequence change replaces threonine, which is neutral and polar, with asparagine, which is neutral and polar, at codon 1365 of the SCN10A protein (p.Thr1365Asn). This variant is present in population databases (rs748854017, gnomAD 0.003%). This variant has not been reported in the literature in individuals affected with SCN10A-related conditions. ClinVar contains an entry for this variant (Variation ID: 463255). Invitae Evidence Modeling of protein sequence and biophysical properties (such as structural, functional, and spatial information, amino acid conservation, physicochemical variation, residue mobility, and thermodynamic stability) indicates that this missense variant is expected to disrupt SCN10A protein function with a positive predictive value of 80%. In summary, the available evidence is currently insufficient to determine the role of this variant in disease. Therefore, it has been classified as a Variant of Uncertain Significance.

Ambry Genetics
Classification: Uncertain significance for Cardiovascular phenotype. Last evaluated: 2024-10-19. Review status: criteria provided, single submitter. Criteria: Ambry Variant Classification Scheme 2023. Collection method: clinical testing. Allele origin: germline.

NM_006514.4(SCN10A):c.4094C>A (p.Thr1365Asn)

Gene: SCN10A (sodium voltage-gated channel alpha subunit 10; minus strand). Cytogenetic location: 3p22.2.
Variant type: single nucleotide variant.
Coding change: c.4094C>A on transcript NM_006514.4 (MANE Select); coding-DNA position 4094, C replaced by A.
Protein change: p.Thr1365Asn; replaces threonine 1365 with asparagine.
Molecular consequence: missense variant.
Genome position (GRCh38, 1-based): chr3:38,710,893, G>T on the plus strand (C>A on the coding strand, the complement: SCN10A is on the minus strand). VCF-style: chr3-38710893-G-T. GRCh37 (hg19) VCF-style: chr3-38752384-G-T.
Other names: c.4091C>A, p.Thr1364Asn (NM_001293306.2); c.3800C>A, p.Thr1267Asn (NM_001293307.2); short protein forms T1365N, T1267N, T1364N.
Identifiers: ClinVar variation 463255 (VCV000463255.8), dbSNP rs748854017, ClinGen allele CA2320017.